The following is an entry in ClinVar:

NM_022787.4(NMNAT1):c.491C>T (p.Ala164Val)

Gene: NMNAT1 (nicotinamide nucleotide adenylyltransferase 1; plus strand). Cytogenetic location: 1p36.22.
Variant type: single nucleotide variant.
Coding change: c.491C>T on transcript NM_022787.4 (MANE Select); coding-DNA position 491, C replaced by T.
Protein change: p.Ala164Val; replaces alanine 164 with valine.
Molecular consequence: missense variant.
Genome position (GRCh38, 1-based): chr1:9,982,352, C>T. VCF-style: chr1-9982352-C-T. GRCh37 (hg19) VCF-style: chr1-10042410-C-T.
Other names: c.491C>T, p.Ala164Val (NM_001297778.1); short protein forms A164V.
Identifiers: ClinVar variation 1445528 (VCV001445528.6), dbSNP rs1641966893, ClinGen allele CA338686535.

ClinVar aggregate classification (germline): Uncertain significance (1 of 4 stars; one submission).

Conditions:
Leber congenital amaurosis 9 (LCA9). Also called: LCA 9; Amaurosis congenita of Leber, type 9; LCA9 Leber Congenital Amaurosis. Identifiers: Orphanet 65, MedGen C1837873, MONDO:0012056, OMIM 608553.

Allele frequency attached by ClinVar (database versions not stated): TOPMed 0.00001.

Submission:

Labcorp Genetics (formerly Invitae), Labcorp
Classification: Uncertain significance for Leber congenital amaurosis 9. Last evaluated: 2022-08-16. Review status: criteria provided, single submitter. Criteria: Invitae Variant Classification Sherloc (09022015). Collection method: clinical testing. Allele origin: germline.
Comment: In summary, the available evidence is currently insufficient to determine the role of this variant in disease. Therefore, it has been classified as a Variant of Uncertain Significance. Algorithms developed to predict the effect of missense changes on protein structure and function (SIFT, PolyPhen-2, Align-GVGD) all suggest that this variant is likely to be tolerated. ClinVar contains an entry for this variant (Variation ID: 1445528). This variant has not been reported in the literature in individuals affected with NMNAT1-related conditions. This variant is not present in population databases (gnomAD no frequency). This sequence change replaces alanine, which is neutral and non-polar, with valine, which is neutral and non-polar, at codon 164 of the NMNAT1 protein (p.Ala164Val).